The following is an entry in ClinVar:

ClinVar aggregate classification (germline): Uncertain significance (1 of 4 stars; one submission).

Conditions:
VAV1-related disorder. Also called: VAV1-related condition.

Submission:

PreventionGenetics, part of Exact Sciences
Classification: Uncertain significance for VAV1-related condition. Last evaluated: 2025-08-29. Review status: criteria provided, single submitter. Criteria: ACMG Guidelines, 2015. Collection method: clinical testing. Allele origin: germline.
Comment: The VAV1 c.232T>C variant is predicted to result in the amino acid substitution p.Phe78Leu. To our knowledge, this variant has not been reported in the literature or in a large population database (gnomAD), indicating this variant is rare. At this time, the clinical significance of this variant is uncertain due to the absence of conclusive functional and genetic evidence.

NM_005428.4(VAV1):c.232T>C (p.Phe78Leu)

Gene: VAV1 (vav guanine nucleotide exchange factor 1; plus strand). Cytogenetic location: 19p13.3.
Variant type: single nucleotide variant.
Coding change: c.232T>C on transcript NM_005428.4 (MANE Select); coding-DNA position 232, T replaced by C.
Protein change: p.Phe78Leu; replaces phenylalanine 78 with leucine.
Molecular consequence: missense variant.
Genome position (GRCh38, 1-based): chr19:6,820,729, T>C. VCF-style: chr19-6820729-T-C. GRCh37 (hg19) VCF-style: chr19-6820740-T-C.
Other names: c.232T>C, p.Phe78Leu (NM_001258206.2, NM_001258207.2); short protein forms F78L.
Identifiers: ClinVar variation 4997881 (VCV004997881.1).